The following is an entry in ClinVar:

ClinVar aggregate classification (germline): Uncertain significance (1 of 4 stars; one submission).

Conditions:
Joubert syndrome 21 (JBTS21). Identifiers: MedGen C3810212, MONDO:0014288, OMIM 615636.

Allele frequency attached by ClinVar (database versions not stated): gnomAD exomes below 0.00001.
gnomAD v4.1: 2 of 1,613,218 alleles (0.00012%); highest among the groups gnomAD compares: Admixed American, 0.0033%; no homozygotes.

Submission:

Labcorp Genetics (formerly Invitae), Labcorp
Classification: Uncertain significance for Joubert syndrome 21. Last evaluated: 2022-07-30. Review status: criteria provided, single submitter. Criteria: Invitae Variant Classification Sherloc (09022015). Collection method: clinical testing. Allele origin: germline.
Comment: This sequence change replaces phenylalanine, which is neutral and non-polar, with leucine, which is neutral and non-polar, at codon 258 of the CSPP1 protein (p.Phe258Leu). In summary, the available evidence is currently insufficient to determine the role of this variant in disease. Therefore, it has been classified as a Variant of Uncertain Significance. Algorithms developed to predict the effect of missense changes on protein structure and function output the following: SIFT: "Tolerated"; PolyPhen-2: "Benign"; Align-GVGD: "Class C0". The leucine amino acid residue is found in multiple mammalian species, which suggests that this missense change does not adversely affect protein function. This variant has not been reported in the literature in individuals affected with CSPP1-related conditions. This variant is present in population databases (no rsID available, gnomAD 0.003%).

NM_001382391.1(CSPP1):c.745T>C (p.Phe249Leu)

Gene: CSPP1 (centrosome and spindle pole associated protein 1; plus strand). Cytogenetic location: 8q13.1.
Variant type: single nucleotide variant.
Coding change: c.745T>C on transcript NM_001382391.1 (MANE Select); coding-DNA position 745, T replaced by C.
Protein change: p.Phe249Leu; replaces phenylalanine 249 with leucine.
Molecular consequence: missense variant. On other transcripts: 5 prime UTR variant (1).
Genome position (GRCh38, 1-based): chr8:67,095,554, T>C. VCF-style: chr8-67095554-T-C. GRCh37 (hg19) VCF-style: chr8-68007789-T-C.
Other names: c.772T>C, p.Phe258Leu (NM_024790.7, NM_001364870.1); c.-111T>C (NM_001291339.2); c.664T>C, p.Phe222Leu (NM_001363131.2, NM_001363133.2); c.745T>C, p.Phe249Leu (NM_001363132.2); c.853T>C, p.Phe285Leu (NM_001364869.1); short protein forms F249L, F258L, F222L, F285L.
Identifiers: ClinVar variation 1975024 (VCV001975024.5), dbSNP rs1437398516, ClinGen allele CA371191068.